The following is an entry in ClinVar:

NM_002838.5(PTPRC):c.876T>A (p.Asp292Glu)

Gene: PTPRC (protein tyrosine phosphatase receptor type C; plus strand). Cytogenetic location: 1q32.1.
Variant type: single nucleotide variant.
Coding change: c.876T>A on transcript NM_002838.5 (MANE Select); coding-DNA position 876, T replaced by A.
Protein change: p.Asp292Glu; replaces aspartic acid 292 with glutamic acid.
Molecular consequence: missense variant.
Genome position (GRCh38, 1-based): chr1:198,706,924, T>A. VCF-style: chr1-198706924-T-A. GRCh37 (hg19) VCF-style: chr1-198676053-T-A.
Other names: c.393T>A, p.Asp131Glu (NM_080921.4); short protein forms D131E, D292E.
Identifiers: ClinVar variation 1472035 (VCV001472035.4), dbSNP rs1653007816, ClinGen allele CA344033974.

ClinVar aggregate classification (germline): Uncertain significance (1 of 4 stars; one submission).

Conditions:
Immunodeficiency 104. Also called: Severe Combined Immune Deficiency, Autosomal Recessive, TCell -Negative, B Cell-Positive, NK Cell-Positive, IL7R-Related; SCID, AUTOSOMAL RECESSIVE, T CELL-NEGATIVE, B CELL-POSITIVE, NK CELL-POSITIVE; Severe combined immunodeficiency, autosomal recessive, T cell-negative, B cell-positive, NK cell-positive; IMMUNODEFICIENCY 104, SEVERE COMBINED. Identifiers: MedGen C5676890, MONDO:0012163, OMIM 608971.

gnomAD v4.1: 1 of 1,609,386 alleles (0.000062%); highest among the groups gnomAD compares: African/African-American, 0.0013%; no homozygotes.

Submission:

Labcorp Genetics (formerly Invitae), Labcorp
Classification: Uncertain significance for Immunodeficiency 104. Last evaluated: 2021-09-26. Review status: criteria provided, single submitter. Criteria: Invitae Variant Classification Sherloc (09022015). Collection method: clinical testing. Allele origin: germline.
Comment: Algorithms developed to predict the effect of missense changes on protein structure and function (SIFT, PolyPhen-2, Align-GVGD) all suggest that this variant is likely to be tolerated. This variant has not been reported in the literature in individuals affected with PTPRC-related conditions. This variant is not present in population databases (ExAC no frequency). This sequence change replaces aspartic acid with glutamic acid at codon 292 of the PTPRC protein (p.Asp292Glu). The aspartic acid residue is weakly conserved and there is a small physicochemical difference between aspartic acid and glutamic acid. In summary, the available evidence is currently insufficient to determine the role of this variant in disease. Therefore, it has been classified as a Variant of Uncertain Significance.